The following is an entry in ClinVar:

ClinVar aggregate classification (germline): Pathogenic/Likely pathogenic. Review status: criteria provided, multiple submitters, no conflicts (2 of 4 stars). 3 submissions from 3 submitters: Pathogenic (1); Likely pathogenic (2). Last evaluated 2026-01-25.

Conditions:
Perlman syndrome (PRLMNS). Identifiers: Orphanet 2849, MedGen C0796113, MONDO:0009965, OMIM 267000.
DIS3L2-related disorder. Also called: DIS3L2-related condition.

Submissions (3):

Labcorp Genetics (formerly Invitae), Labcorp
Classification: Pathogenic for Perlman syndrome. Last evaluated: 2026-01-25. Review status: criteria provided, single submitter. Criteria: Invitae Variant Classification Sherloc (09022015). Collection method: clinical testing. Allele origin: germline.
Comment: This sequence change creates a premature translational stop signal (p.Cys216Alafs*122) in the DIS3L2 gene. It is expected to result in an absent or disrupted protein product. Loss-of-function variants in DIS3L2 are known to be pathogenic (PMID: 22306653, 28328139). This variant is not present in population databases (gnomAD no frequency). This variant has not been reported in the literature in individuals affected with DIS3L2-related conditions. ClinVar contains an entry for this variant (Variation ID: 935724). For these reasons, this variant has been classified as Pathogenic.

Baylor Genetics
Classification: Likely pathogenic for Perlman syndrome. Last evaluated: 2023-03-30. Review status: criteria provided, single submitter. Criteria: ACMG Guidelines, 2015. Collection method: clinical testing. Allele origin: unknown.

PreventionGenetics, part of Exact Sciences
Classification: Likely pathogenic for DIS3L2-related condition. Last evaluated: 2023-03-02. Review status: criteria provided, single submitter. Criteria: ACMG Guidelines, 2015. Collection method: clinical testing. Allele origin: germline.
Comment: The DIS3L2 c.645delC variant is predicted to result in a frameshift and premature protein termination (p.Cys216Alafs*122). To our knowledge, this variant has not been reported in the literature or in a large population database, indicating this variant is rare. Frameshift variants in DIS3L2 are expected to be pathogenic. This variant is interpreted as likely pathogenic.

Literature cited by the submitters: PubMed 22306653 (cited by Labcorp Genetics (formerly Invitae), Labcorp); PubMed 28328139 (cited by Labcorp Genetics (formerly Invitae), Labcorp).

NM_152383.5(DIS3L2):c.645del (p.Cys216fs)

Gene: DIS3L2 (DIS3 like 3'-5' exoribonuclease 2; plus strand). Cytogenetic location: 2q37.1.
Variant type: Deletion.
Coding change: c.645del on transcript NM_152383.5 (MANE Select); coding-DNA position 645, one base deleted (C; older notation c.645delC).
Protein change: p.Cys216fs; shifts the reading frame from cysteine 216.
Molecular consequence: frameshift variant. On other transcripts: non-coding transcript variant (2).
Genome position (GRCh38, 1-based): chr2:232,130,662, C deleted; the last of 2 consecutive C bases (chr2:232,130,661-232,130,662); deleting either gives the same sequence. VCF-style (leftmost placement, unchanged base first): chr2-232130660-AC-A. GRCh37 (hg19) VCF-style: chr2-232995370-AC-A.
Other names: c.645delC (NM_152383.4); c.645del, p.Cys216fs (NM_001257281.2, NM_001257282.2); short protein forms C216fs.
Identifiers: ClinVar variation 935724 (VCV000935724.10), dbSNP rs1328362747, ClinGen allele CA766161907.
Genomic context (GRCh38, chr2:232,130,660, plus strand): 5'-CTTTATCTTTTTAATGTAGGAAGAGAGGATGGTGATGCACCGGTTACAAAAGATGAGACC[AC>A]CTGCATTTCACAAGACACAAGAGCTTTATCGGAGAAATCCCTGCAAAGATCAGCAAAGGT-3'